The following is an entry in ClinVar:

NM_199242.3(UNC13D):c.1327G>T (p.Ala443Ser)

Gene: UNC13D (unc-13 homolog D; minus strand). Cytogenetic location: 17q25.1.
Variant type: single nucleotide variant.
Coding change: c.1327G>T on transcript NM_199242.3 (MANE Select); coding-DNA position 1327, G replaced by T.
Protein change: p.Ala443Ser; replaces alanine 443 with serine.
Molecular consequence: missense variant.
Genome position (GRCh38, 1-based): chr17:75,836,401, C>A on the plus strand (G>T on the coding strand, the complement: UNC13D is on the minus strand). VCF-style: chr17-75836401-C-A. GRCh37 (hg19) VCF-style: chr17-73832482-C-A.
Other names: short protein forms A443S.
Identifiers: ClinVar variation 958888 (VCV000958888.8), dbSNP rs759944295, ClinGen allele CA8773023.

ClinVar aggregate classification (germline): Uncertain significance (1 of 4 stars; one submission).

Conditions:
Familial hemophagocytic lymphohistiocytosis 3 (FHL3). Also called: UNC13D-Related Familial Hemophagocytic Lymphohistiocytosis (UNC13D-fHLH). Identifiers: Orphanet 540, MedGen C1837174, MONDO:0012146, OMIM 608898.

Allele frequency attached by ClinVar (database versions not stated): TOPMed 0.00001; 1000 Genomes Project 30x 0.00016.
gnomAD v4.1: 18 of 1,613,718 alleles (0.0011%); highest among the groups gnomAD compares: Admixed American, 0.012%; no homozygotes.

Submission:

Labcorp Genetics (formerly Invitae), Labcorp
Classification: Uncertain significance for Familial hemophagocytic lymphohistiocytosis 3. Last evaluated: 2025-12-06. Review status: criteria provided, single submitter. Criteria: Invitae Variant Classification Sherloc (09022015). Collection method: clinical testing. Allele origin: germline.
Comment: This sequence change replaces alanine, which is neutral and non-polar, with serine, which is neutral and polar, at codon 443 of the UNC13D protein (p.Ala443Ser). This variant is present in population databases (rs759944295, gnomAD 0.01%). This variant has not been reported in the literature in individuals affected with UNC13D-related conditions. ClinVar contains an entry for this variant (Variation ID: 958888). Invitae Evidence Modeling of protein sequence and biophysical properties (such as structural, functional, and spatial information, amino acid conservation, physicochemical variation, residue mobility, and thermodynamic stability) indicates that this missense variant is not expected to disrupt UNC13D protein function with a negative predictive value of 80%. In summary, the available evidence is currently insufficient to determine the role of this variant in disease. Therefore, it has been classified as a Variant of Uncertain Significance.